The following is an entry in ClinVar:

ClinVar aggregate classification (germline): Uncertain significance (1 of 4 stars; one submission).

gnomAD v4.1: 10 of 1,612,594 alleles (0.00062%); highest among the groups gnomAD compares: South Asian, 0.011%; 1 homozygote.

Submission:

GeneDx
Classification: Uncertain significance. Last evaluated: 2023-10-20. Review status: criteria provided, single submitter. Criteria: GeneDx Variant Classification Process June 2021. Collection method: clinical testing. Allele origin: germline. Affected: yes.
Comment: Not observed at significant frequency in large population cohorts (gnomAD); In silico analysis supports that this missense variant has a deleterious effect on protein structure/function; Has not been previously published as pathogenic or benign to our knowledge

NM_013296.5(GPSM2):c.289G>A (p.Asp97Asn)

Gene: GPSM2 (G protein signaling modulator 2; plus strand). Cytogenetic location: 1p13.3.
Variant type: single nucleotide variant.
Coding change: c.289G>A on transcript NM_013296.5 (MANE Select); coding-DNA position 289, G replaced by A.
Protein change: p.Asp97Asn; replaces aspartic acid 97 with asparagine.
Molecular consequence: missense variant.
Genome position (GRCh38, 1-based): chr1:108,897,502, G>A. VCF-style: chr1-108897502-G-A. GRCh37 (hg19) VCF-style: chr1-109440124-G-A.
Other names: c.289G>A, p.Asp97Asn (NM_001321038.2, NM_001321039.3); short protein forms D97N.
Identifiers: ClinVar variation 3366276 (VCV003366276.1).
Genomic context (GRCh38, chr1:108,897,502, plus strand): 5'-GTATTTTAATACCATTTGGTTTTTTGTTTTTTGTTTTTTGTTTTTTTCAGGACTATTGGA[G>A]ACCAGCTGGGGGAAGCGAAAGCTAGTGGTAATCTGGGAAACACCTTAAAAGTTCTTGGGA-3'
Protein context (NP_037428.3, residues 87-107): HDLTLARTIG[Asp97Asn]QLGEAKASGN